The following is an entry in ClinVar:

ClinVar aggregate classification (germline): Uncertain significance (1 of 4 stars; one submission).

Submission:

Ambry Genetics
Classification: Uncertain significance. Last evaluated: 2022-01-07. Review status: criteria provided, single submitter. Criteria: Ambry Variant Classification Scheme 2023. Collection method: clinical testing. Allele origin: germline.
Comment: The p.V311M variant (also known as c.931G>A), located in coding exon 3 of the TERF2IP gene, results from a G to A substitution at nucleotide position 931. The valine at codon 311 is replaced by methionine, an amino acid with highly similar properties. This amino acid position is conserved. In addition, this alteration is predicted to be deleterious by in silico analysis. Since supporting evidence is limited at this time, the clinical significance of this alteration remains unclear.

NM_018975.4(TERF2IP):c.931G>A (p.Val311Met)

Gene: TERF2IP (TERF2 interacting protein; plus strand). Cytogenetic location: 16q23.1.
Variant type: single nucleotide variant.
Coding change: c.931G>A on transcript NM_018975.4 (MANE Select); coding-DNA position 931, G replaced by A.
Protein change: p.Val311Met; replaces valine 311 with methionine.
Molecular consequence: missense variant. On other transcripts: non-coding transcript variant (1).
Genome position (GRCh38, 1-based): chr16:75,656,342, G>A. VCF-style: chr16-75656342-G-A. GRCh37 (hg19) VCF-style: chr16-75690240-G-A.
Other names: short protein forms V311M.
Identifiers: ClinVar variation 1766566 (VCV001766566.2), dbSNP rs2507089416, ClinGen allele CA396819902.